The following is an entry in ClinVar:

ClinVar aggregate classification (germline): Likely benign (0 of 4 stars; one submission).

Conditions:
SEMA3G-related disorder. Also called: SEMA3G-related condition.

Submission:

PreventionGenetics, part of Exact Sciences
Classification: Likely benign for SEMA3G-related condition. Last evaluated: 2023-02-20. Review status: no assertion criteria provided. Collection method: clinical testing. Allele origin: germline.
Comment: This variant is classified as likely benign based on ACMG/AMP sequence variant interpretation guidelines (Richards et al. 2015 PMID: 25741868, with internal and published modifications).

NM_020163.3(SEMA3G):c.1698C>T (p.His566=)

Gene: SEMA3G (semaphorin 3G; minus strand). Cytogenetic location: 3p21.1.
Variant type: single nucleotide variant.
Coding change: c.1698C>T on transcript NM_020163.3 (MANE Select); coding-DNA position 1698, C replaced by T.
Protein change: p.His566=; no amino-acid change (histidine 566 retained).
Molecular consequence: synonymous variant.
Genome position (GRCh38, 1-based): chr3:52,438,011, G>A on the plus strand (C>T on the coding strand, the complement: SEMA3G is on the minus strand). VCF-style: chr3-52438011-G-A. GRCh37 (hg19) VCF-style: chr3-52472027-G-A.
Identifiers: ClinVar variation 3358668 (VCV003358668.1).